The following is an entry in ClinVar:

ClinVar aggregate classification (germline): Uncertain significance (1 of 4 stars; one submission).

Conditions:
Intellectual developmental disorder, autosomal dominant 64. Also called: MENTAL RETARDATION, AUTOSOMAL DOMINANT 64. Identifiers: MedGen C5543067, MONDO:0030934, OMIM 619188.

Submission:

Laboratorio de Genetica e Diagnostico Molecular, Hospital Israelita Albert Einstein
Classification: Uncertain significance for Intellectual developmental disorder, autosomal dominant 64. Last evaluated: 2024-06-06. Review status: criteria provided, single submitter. Criteria: ACMG Guidelines, 2015. Collection method: clinical testing. Allele origin: germline. Affected: yes.
Comment: ACMG classification criteria: PM2 supporting, BP4 supporting

NM_015021.3(ZNF292):c.3775T>C (p.Ser1259Pro)

Gene: ZNF292 (zinc finger protein 292; plus strand). Cytogenetic location: 6q14.3.
Variant type: single nucleotide variant.
Coding change: c.3775T>C on transcript NM_015021.3 (MANE Select); coding-DNA position 3775, T replaced by C.
Protein change: p.Ser1259Pro; replaces serine 1259 with proline.
Molecular consequence: missense variant.
Genome position (GRCh38, 1-based): chr6:87,257,404, T>C. VCF-style: chr6-87257404-T-C. GRCh37 (hg19) VCF-style: chr6-87967122-T-C.
Other names: c.3355T>C, p.Ser1119Pro (NM_001351444.2); short protein forms S1119P, S1259P.
Identifiers: ClinVar variation 4076351 (VCV004076351.1).